The following is an entry in ClinVar:

NM_198859.4(PRICKLE2):c.579G>A (p.Pro193=)

Gene: PRICKLE2 (prickle planar cell polarity protein 2; minus strand). Cytogenetic location: 3p14.1.
Variant type: single nucleotide variant.
Coding change: c.579G>A on transcript NM_198859.4 (MANE Select); coding-DNA position 579, G replaced by A.
Protein change: p.Pro193=; no amino-acid change (proline 193 retained).
Molecular consequence: synonymous variant.
Genome position (GRCh38, 1-based): chr3:64,157,183, C>T on the plus strand (G>A on the coding strand, the complement: PRICKLE2 is on the minus strand). VCF-style: chr3-64157183-C-T. GRCh37 (hg19) VCF-style: chr3-64142859-C-T.
Other names: c.579G>A, p.Pro193= (NM_001370528.1).
Identifiers: ClinVar variation 130034 (VCV000130034.23), dbSNP rs17720698, ClinGen allele CA154775.

ClinVar aggregate classification (germline): Benign. Review status: criteria provided, multiple submitters, no conflicts (2 of 4 stars). 7 submissions from 7 submitters: Benign (6). 1 of the submissions does not count toward it. Last evaluated 2026-02-03.

Conditions:
Progressive myoclonic epilepsy. Also called: Familial progressive myoclonic epilepsy; Myoclonic Epilepsies, Progressive; Myoclonus epilepsy; Progressive myoclonus epilepsy. Identifiers: Orphanet 308, Orphanet 98261, MedGen C0751778, MONDO:0020074.
Progressive myoclonic epilepsy type 5. Identifiers: Orphanet 402082, MedGen C5190799.

Allele frequency attached by ClinVar (database versions not stated): 1000 Genomes Project 0.18490; 1000 Genomes Project 30x 0.19113; TOPMed 0.22122; gnomAD 0.23498 and 0.24032; ESP Exome Variant Server 0.24220.
gnomAD v4.1: 359,661 of 1,613,502 alleles (22%); highest among the groups gnomAD compares: African/African-American, 28%; 42,307 homozygotes.

Submissions (7):

Labcorp Genetics (formerly Invitae), Labcorp
Classification: Benign for Progressive myoclonic epilepsy type 5. Last evaluated: 2026-02-03. Review status: criteria provided, single submitter. Criteria: Invitae Variant Classification Sherloc (09022015). Collection method: clinical testing. Allele origin: germline.

GeneDx
Classification: Benign. Last evaluated: 2021-02-26. Review status: criteria provided, single submitter. Criteria: GeneDx Variant Classification Process June 2021. Collection method: clinical testing. Allele origin: germline. Affected: yes.

Athena Diagnostics
Classification: Benign. Last evaluated: 2018-05-07. Review status: criteria provided, single submitter. Criteria: Athena Diagnostics Criteria. Collection method: clinical testing. Allele origin: germline.

Illumina Laboratory Services, Illumina
Classification: Benign for Progressive myoclonic epilepsy. Last evaluated: 2018-01-12. Review status: criteria provided, single submitter. Criteria: ICSL Variant Classification Criteria 13 December 2019. Collection method: clinical testing. Allele origin: germline.
Comment: This variant was observed in the ICSL laboratory as part of a predisposition screen in an ostensibly healthy population. It had not been previously curated by ICSL or reported in the Human Gene Mutation Database (HGMD: prior to June 1st, 2018), and was therefore a candidate for classification through an automated scoring system. Utilizing variant allele frequency, disease prevalence and penetrance estimates, and inheritance mode, an automated score was calculated to assess if this variant is too frequent to cause the disease. Based on the score and internal cut-off values, a variant classified as benign is not then subjected to further curation. The score for this variant resulted in a classification of benign for this disease.

Eurofins Ntd Llc (ga)
Classification: Benign. Last evaluated: 2014-03-14. Review status: criteria provided, single submitter. Criteria: EGL Classification Definitions 2015. Collection method: clinical testing. Allele origin: germline. Observed: 2 variant alleles, 2 heterozygotes.

Breakthrough Genomics
Classification: Benign. Review status: criteria provided, single submitter. Criteria: ACMG Guidelines, 2015. Collection method: not provided. Allele origin: germline. Inheritance: Unknown mechanism. Affected: yes.

Genetic Services Laboratory, University of Chicago
Classification: Likely benign for AllHighlyPenetrant. Review status: no assertion criteria provided. Collection method: clinical testing. Allele origin: germline. Inheritance: Autosomal dominant inheritance. Not counted in ClinVar's aggregate classification.
Comment: Likely benign based on allele frequency in 1000 Genomes Project or ESP global frequency and its presence in a patient with a rare or unrelated disease phenotype. NOT Sanger confirmed.